The following is an entry in ClinVar:

NM_001099856.6(IKBKG):c.112G>A (p.Glu38Lys)

Genes: G6PD (glucose-6-phosphate dehydrogenase; minus strand), IKBKG (inhibitor of nuclear factor kappa B kinase regulatory subunit gamma; plus strand), LOC108281126 (G6PD and IKBKG intron CAGE-defined low expression enhancer; plus strand). Cytogenetic location: Xq28.
Variant type: single nucleotide variant.
Coding change: c.112G>A on transcript NM_001099856.6; coding-DNA position 112, G replaced by A.
Protein change: p.Glu38Lys; replaces glutamic acid 38 with lysine.
Molecular consequence: missense variant. On other transcripts: 5 prime UTR variant (1), intron variant (5).
Genome position (GRCh38, 1-based): chrX:154,542,375, G>A. VCF-style: chrX-154542375-G-A. GRCh37 (hg19) VCF-style: chrX-153770590-G-A.
Other names: c.-28G>A (NM_001321396.3); c.210+3661C>T (NM_000402.4); c.120+3661C>T (NM_001042351.3, NM_001360016.2); c.-16+984G>A (NM_001377312.1, NM_001377313.1); short protein forms E38K.
Identifiers: ClinVar variation 4832513 (VCV004832513.1).

ClinVar aggregate classification (germline): Uncertain significance (1 of 4 stars; one submission).

Conditions:
Inborn genetic diseases. Identifiers: MedGen C0950123, MeSH D030342.

gnomAD v4.1: 9 of 1,206,451 alleles (0.00075%); highest among the groups gnomAD compares: African/African-American, 0.012%; no homozygotes.

Submission:

Ambry Genetics
Classification: Uncertain significance for Inborn genetic diseases. Last evaluated: 2025-12-24. Review status: criteria provided, single submitter. Criteria: Ambry Variant Classification Scheme 2023. Collection method: clinical testing. Allele origin: germline.
Comment: The c.112G>A (p.E38K) alteration is located in exon 1 (coding exon 1) of the IKBKG gene. This alteration results from a G to A substitution at nucleotide position 112, causing the glutamic acid (E) at amino acid position 38 to be replaced by a lysine (K). Based on data from gnomAD, the A allele has an overall frequency of 0.002% (4/193085) total alleles studied. The highest observed frequency was 0.023% (4/17628) of African alleles. Based on insufficient or conflicting evidence, the clinical significance of this alteration remains unclear.